The following is an entry in ClinVar:

NM_014727.3(KMT2B):c.5311C>T (p.Arg1771Trp)

Gene: KMT2B (lysine methyltransferase 2B; plus strand). Cytogenetic location: 19q13.12.
Variant type: single nucleotide variant.
Coding change: c.5311C>T on transcript NM_014727.3 (MANE Select); coding-DNA position 5311, C replaced by T.
Protein change: p.Arg1771Trp; replaces arginine 1771 with tryptophan.
Molecular consequence: missense variant.
Genome position (GRCh38, 1-based): chr19:35,730,741, C>T. VCF-style: chr19-35730741-C-T. GRCh37 (hg19) VCF-style: chr19-36221642-C-T.
Other names: short protein forms R1771W.
Identifiers: ClinVar variation 3650996 (VCV003650996.2).

ClinVar aggregate classification (germline): Uncertain significance (1 of 4 stars; one submission).

gnomAD v4.1: 1 of 1,613,890 alleles (0.000062%); highest among the groups gnomAD compares: Non-Finnish European, 0.000085%; no homozygotes.

Submission:

Labcorp Genetics (formerly Invitae), Labcorp
Classification: Uncertain significance. Last evaluated: 2024-07-31. Review status: criteria provided, single submitter. Criteria: Invitae Variant Classification Sherloc (09022015). Collection method: clinical testing. Allele origin: germline.
Comment: This sequence change replaces arginine, which is basic and polar, with tryptophan, which is neutral and slightly polar, at codon 1771 of the KMT2B protein (p.Arg1771Trp). This variant is not present in population databases (gnomAD no frequency). This variant has not been reported in the literature in individuals affected with KMT2B-related conditions. Advanced modeling of protein sequence and biophysical properties (such as structural, functional, and spatial information, amino acid conservation, physicochemical variation, residue mobility, and thermodynamic stability) performed at Invitae indicates that this missense variant is expected to disrupt KMT2B protein function with a positive predictive value of 80%. In summary, the available evidence is currently insufficient to determine the role of this variant in disease. Therefore, it has been classified as a Variant of Uncertain Significance.